The following is an entry in ClinVar:

ClinVar aggregate classification (germline): Pathogenic. Review status: reviewed by expert panel (3 of 4 stars). 2 submissions from 2 submitters: Pathogenic (1). 1 of the submissions does not count toward it. Last evaluated 2017-12-15.

Conditions:
Breast-ovarian cancer, familial, susceptibility to, 1 (BROVCA1). Also called: BRCA1 Hereditary Breast and Ovarian Cancer; OVARIAN CANCER, SUSCEPTIBILITY TO. Identifiers: Orphanet 145, MedGen C2676676, MONDO:0011450, OMIM 604370. Disease mechanism: loss of function.

Submissions (2):

Evidence-based Network for the Interpretation of Germline Mutant Alleles (ENIGMA)
Classification: Pathogenic for Breast-ovarian cancer, familial, susceptibility to, 1. Last evaluated: 2017-12-15. Review status: reviewed by expert panel. Criteria: ENIGMA BRCA1/2 Classification Criteria (2017-06-29). Collection method: curation. Allele origin: germline. Study: ENIGMA.
Comment: Variant allele predicted to encode a truncated non-functional protein.

Counsyl
Classification: Pathogenic for Breast-ovarian cancer, familial, susceptibility to, 1. Last evaluated: 2016-07-06. Review status: no assertion criteria provided. Collection method: clinical testing. Allele origin: unknown. Not counted in ClinVar's aggregate classification.

Literature cited by the submitters: PubMed 21318380 (cited by Counsyl).

NM_007294.4(BRCA1):c.3503dup (p.Asn1168fs)

Genes: BRCA1 (BRCA1 DNA repair associated; minus strand), LOC126862571 (BRD4-independent group 4 enhancer GRCh37_chr17:41243136-41244335; plus strand). Cytogenetic location: 17q21.31.
Variant type: Duplication.
Coding change: c.3503dup on transcript NM_007294.4 (MANE Select); coding-DNA position 3503, one base duplicated (A; older notation c.3503dupA).
Protein change: p.Asn1168fs; shifts the reading frame from asparagine 1168.
Molecular consequence: frameshift variant. On other transcripts: intron variant (135).
Genome position (GRCh38, 1-based): chr17:43,092,028, T duplicated on the plus strand (A on the coding strand, the reverse complement: BRCA1 is on the minus strand); the first of 4 consecutive T bases (chr17:43,092,028-43,092,031); duplicating any one gives the same sequence. VCF-style (leftmost placement, unchanged base first): chr17-43092027-A-AT. GRCh37 (hg19) VCF-style: chr17-41244044-A-AT.
Other names: c.3503dup, p.Asn1168fs (NM_001407605.1, NM_001407616.1, NM_001407625.1 and 30 more transcripts); c.3500dup, p.Asn1167fs (NM_001407610.1, NM_001407611.1, NM_001407612.1 and 22 more transcripts); c.3494dup, p.Asn1165fs (NM_001407646.1, NM_001407647.1); c.3380dup, p.Asn1127fs (NM_001407648.1, NM_001407664.1, NM_001407665.1 and 19 more transcripts); c.3377dup, p.Asn1126fs (NM_001407649.1, NM_001407670.1, NM_001407671.1 and 11 more transcripts); c.3425dup, p.Asn1142fs (NM_001407653.1, NM_001407654.1, NM_001407655.1 and 4 more transcripts); c.3362dup, p.Asn1121fs (NM_001407726.1, NM_001407727.1, NM_001407728.1 and 29 more transcripts); c.3359dup, p.Asn1120fs (NM_001407744.1, NM_001407745.1, NM_001407746.1 and 20 more transcripts); and 42 more; short protein forms N1121fs, N1168fs, N1040fs, N1041fs, N1141fs, N1167fs, N1079fs, N1126fs.
Identifiers: ClinVar variation 54903 (VCV000054903.5), dbSNP rs397507216, ClinGen allele CA327875.
Genomic context (GRCh38, chr17:43,092,027, plus strand): 5'-CCTGCTAAGCTCTCCTTTCTGGACGCTTTTGCTAAAAACAGCAGAACTTTCCTTAATGTC[A>AT]TTTTCAGCAAAACTAGTATCTTCCTTTATTTCACCATCATCTAACAGGTCATCAGGTGTC-3'